The following is an entry in ClinVar:

ClinVar aggregate classification (germline): Pathogenic (1 of 4 stars; one submission).

Submission:

ISCA site 4
Classification: Pathogenic. Last evaluated: 2011-08-12. Review status: criteria provided, single submitter. Criteria: Kaminsky et al. (Genet Med. 2011). Collection method: clinical testing. Allele origin: de novo. Affected: yes. Observed: 1 variant allele.
Comment: Copy number variation identified through the course of routine clinical cytogenomic testing in postnatal populations. Clinical assertions have been curated as described in Kaminsky et al. 2011.

GRCh38/hg38 2q37.3(chr2:236555233-242126245)x1

Genes: ACKR3 (atypical chemokine receptor 3; plus strand), AGXT (alanine--glyoxylate aminotransferase; plus strand), ANKMY1 (ankyrin repeat and MYND domain containing 1; minus strand), ANO7 (anoctamin 7; plus strand), AQP12A (aquaporin 12A; plus strand) and 273 more. Cytogenetic location: 2q37.3.
Variant type: copy number loss.
Change: copy number 1 (one copy instead of two) of chr2:236,555,233-242,126,245 (5.57 Mb, GRCh38 coordinates, 1-based), cytogenetic band 2q37.3.
Identifiers: ClinVar variation 57420 (VCV000057420.1).